The following is an entry in ClinVar:

NM_015474.3(SAMHD1):c.1609del

Gene: SAMHD1 (SAM and HD domain containing deoxynucleoside triphosphate triphosphohydrolase 1; minus strand). Cytogenetic location: 20q11.23.
Variant type: Deletion.
Coding change: c.1609del on transcript NM_015474.3; coding-DNA position 1609, one base deleted (G; older notation c.1609delG).
Genome position (GRCh38, 1-based): chr20:36,897,959, C deleted on the plus strand (G on the coding strand, the reverse complement: SAMHD1 is on the minus strand); the first of 2 consecutive C bases (chr20:36,897,959-36,897,960); deleting either gives the same sequence. VCF-style (leftmost placement, unchanged base first): chr20-36897958-AC-A. GRCh37 (hg19) VCF-style: chr20-35526361-AC-A.
Identifiers: ClinVar variation 4815854 (VCV004815854.1).

ClinVar aggregate classification (germline): Likely pathogenic (1 of 4 stars; one submission).

Conditions:
Aicardi Goutieres syndrome (AGS). Also called: Encephalopathy, familial infantile, with calcification of basal ganglia and chronic cerebrospinal fluid lymphocytosis. Identifiers: Orphanet 51, MedGen C0393591, MONDO:0018866.

Submission:

Natera, Inc.
Classification: Likely pathogenic for Aicardi-Goutieres syndrome. Last evaluated: 2025-11-05. Review status: criteria provided, single submitter. Criteria: Natera Variant Classification Schema (03/2026). Collection method: clinical testing. Allele origin: germline.
Comment: The c.1609del variant in SAMHD1 is a frameshift variant predicted to shift the reading frame beginning at codon 537 and leads to a stop codon 13 codons downstream. This variant is expected to result in nonsense mediated decay, truncation, or a dysfunctional protein product. This variant is rare in the general population with a frequency below the threshold expected for the associated phenotype(s). Given the available evidence, this variant is classified as Likely Pathogenic.